The following is an entry in ClinVar:

ClinVar aggregate classification (germline): Uncertain significance. Review status: criteria provided, multiple submitters, no conflicts (2 of 4 stars). 2 submissions from 2 submitters: Uncertain significance (2). Last evaluated 2025-01-07.

Conditions:
EPILEPSY, CHILDHOOD ABSENCE, SUSCEPTIBILITY TO, 2 (ECA2). Identifiers: Orphanet 64280, MedGen C1843244, OMIM 607681.
Febrile seizures, familial, 8 (FEB8). Also called: CONVULSIONS, FAMILIAL FEBRILE, 8. Identifiers: Orphanet 36387, MedGen C1969810, MONDO:0011891, OMIM 607681.

Allele frequency attached by ClinVar (database versions not stated): TOPMed 0.00001.

Submissions (2):

GeneDx
Classification: Uncertain significance. Last evaluated: 2025-01-07. Review status: criteria provided, single submitter. Criteria: GeneDx Variant Classification Process June 2021. Collection method: clinical testing. Allele origin: germline. Affected: yes.
Comment: Not observed at significant frequency in large population cohorts (gnomAD); In silico analysis supports that this missense variant has a deleterious effect on protein structure/function; Has not been previously published as pathogenic or benign to our knowledge

Labcorp Genetics (formerly Invitae), Labcorp
Classification: Uncertain significance for Febrile seizures, familial, 8; EPILEPSY, CHILDHOOD ABSENCE, SUSCEPTIBILITY TO, 2. Last evaluated: 2023-05-01. Review status: criteria provided, single submitter. Criteria: Invitae Variant Classification Sherloc (09022015). Collection method: clinical testing. Allele origin: germline.
Comment: Advanced modeling of protein sequence and biophysical properties (such as structural, functional, and spatial information, amino acid conservation, physicochemical variation, residue mobility, and thermodynamic stability) has been performed at Invitae for this missense variant, however the output from this modeling did not meet the statistical confidence thresholds required to predict the impact of this variant on GABRG2 protein function. ClinVar contains an entry for this variant (Variation ID: 2124114). This variant has not been reported in the literature in individuals affected with GABRG2-related conditions. This variant is not present in population databases (gnomAD no frequency). This sequence change replaces methionine, which is neutral and non-polar, with valine, which is neutral and non-polar, at codon 141 of the GABRG2 protein (p.Met141Val). In summary, the available evidence is currently insufficient to determine the role of this variant in disease. Therefore, it has been classified as a Variant of Uncertain Significance.

NM_198904.4(GABRG2):c.421A>G (p.Met141Val)

Gene: GABRG2 (gamma-aminobutyric acid type A receptor subunit gamma2; plus strand). Cytogenetic location: 5q34.
Variant type: single nucleotide variant.
Coding change: c.421A>G on transcript NM_198904.4 (MANE Select); coding-DNA position 421, A replaced by G.
Protein change: p.Met141Val; replaces methionine 141 with valine.
Molecular consequence: missense variant. On other transcripts: initiator codon variant (2).
Genome position (GRCh38, 1-based): chr5:162,097,731, A>G. VCF-style: chr5-162097731-A-G. GRCh37 (hg19) VCF-style: chr5-161524737-A-G.
Other names: c.421A>G, p.Met141Val (NM_000816.3, NM_001375340.1, NM_001375341.1 and 4 more transcripts); c.412A>G, p.Met138Val (NM_001375339.1); c.355A>G, p.Met119Val (NM_001375345.1, NM_001375346.1); c.334A>G, p.Met112Val (NM_001375347.1); c.1A>G, p.Met1Val (NM_001375348.1, NM_001375350.1); c.136A>G, p.Met46Val (NM_001375349.1); short protein forms M141V, M1V, M112V, M119V, M138V, M46V.
Identifiers: ClinVar variation 2124114 (VCV002124114.6), dbSNP rs926095904, ClinGen allele CA131111684.
Genomic context (GRCh38, chr5:162,097,731, plus strand): 5'-TGGTATGACAGACGTTTGAAATTTAACAGCACCATTAAAGTCCTCCGATTGAACAGCAAC[A>G]TGGTGGGGAAAATCTGGATTCCAGACACTTTCTTCAGAAATTCCAAAAAAGCTGATGCAC-3'
Protein context (NP_944494.1, residues 131-151): TIKVLRLNSN[Met141Val]VGKIWIPDTF